The following is an entry in ClinVar:

NM_006651.4(CPLX1):c.251C>T (p.Ala84Val)

Gene: CPLX1 (complexin 1; minus strand). Cytogenetic location: 4p16.3.
Variant type: single nucleotide variant.
Coding change: c.251C>T on transcript NM_006651.4 (MANE Select); coding-DNA position 251, C replaced by T.
Protein change: p.Ala84Val; replaces alanine 84 with valine.
Molecular consequence: missense variant.
Genome position (GRCh38, 1-based): chr4:786,655, G>A on the plus strand (C>T on the coding strand, the complement: CPLX1 is on the minus strand). VCF-style: chr4-786655-G-A. GRCh37 (hg19) VCF-style: chr4-780443-G-A.
Other names: short protein forms A84V.
Identifiers: ClinVar variation 1926950 (VCV001926950.5), dbSNP rs747264616, ClinGen allele CA2796921.

ClinVar aggregate classification (germline): Uncertain significance (1 of 4 stars; one submission).

Allele frequency attached by ClinVar (database versions not stated): ExAC 0.00001; gnomAD 0.00001; TOPMed 0.00002.
gnomAD v4.1: 5 of 1,611,644 alleles (0.00031%); highest among the groups gnomAD compares: Middle Eastern, 0.017%; no homozygotes.

Submission:

Labcorp Genetics (formerly Invitae), Labcorp
Classification: Uncertain significance. Last evaluated: 2024-10-24. Review status: criteria provided, single submitter. Criteria: Invitae Variant Classification Sherloc (09022015). Collection method: clinical testing. Allele origin: germline.
Comment: This sequence change replaces alanine, which is neutral and non-polar, with valine, which is neutral and non-polar, at codon 84 of the CPLX1 protein (p.Ala84Val). This variant is not present in population databases (gnomAD no frequency). This variant has not been reported in the literature in individuals affected with CPLX1-related conditions. ClinVar contains an entry for this variant (Variation ID: 1926950). An algorithm developed to predict the effect of missense changes on protein structure and function (PolyPhen-2) suggests that this variant is likely to be disruptive. In summary, the available evidence is currently insufficient to determine the role of this variant in disease. Therefore, it has been classified as a Variant of Uncertain Significance.